The following is an entry in ClinVar:

NM_001130438.3(SPTAN1):c.1426A>G (p.Thr476Ala)

Gene: SPTAN1 (spectrin alpha, non-erythrocytic 1; plus strand). Cytogenetic location: 9q34.11.
Variant type: single nucleotide variant.
Coding change: c.1426A>G on transcript NM_001130438.3 (MANE Select); coding-DNA position 1426, A replaced by G.
Protein change: p.Thr476Ala; replaces threonine 476 with alanine.
Molecular consequence: missense variant.
Genome position (GRCh38, 1-based): chr9:128,581,024, A>G. VCF-style: chr9-128581024-A-G. GRCh37 (hg19) VCF-style: chr9-131343303-A-G.
Other names: c.1426A>G, p.Thr476Ala (NM_001195532.2, NM_001363759.2, NM_001363765.2 and 5 more transcripts); c.1462A>G, p.Thr488Ala (NM_001375312.2, NM_001375318.1); short protein forms T488A, T476A.
Identifiers: ClinVar variation 3683117 (VCV003683117.2).

ClinVar aggregate classification (germline): Uncertain significance (1 of 4 stars; one submission).

Conditions:
Early-infantile DEE. Also called: Ohtahara syndrome; Early infantile epileptic encephalopathy with suppression bursts; Early infantile epileptic encephalopathy. Identifiers: Orphanet 1934, MedGen C0393706, MONDO:0800491.

gnomAD v4.1: 7 of 1,614,150 alleles (0.00043%); highest among the groups gnomAD compares: Non-Finnish European, 0.00059%; no homozygotes.

Submission:

Labcorp Genetics (formerly Invitae), Labcorp
Classification: Uncertain significance for Early-infantile DEE. Last evaluated: 2024-09-08. Review status: criteria provided, single submitter. Criteria: Invitae Variant Classification Sherloc (09022015). Collection method: clinical testing. Allele origin: germline.
Comment: This sequence change replaces threonine, which is neutral and polar, with alanine, which is neutral and non-polar, at codon 476 of the SPTAN1 protein (p.Thr476Ala). This variant is present in population databases (rs760192480, gnomAD 0.0009%). This variant has not been reported in the literature in individuals affected with SPTAN1-related conditions. Invitae Evidence Modeling of protein sequence and biophysical properties (such as structural, functional, and spatial information, amino acid conservation, physicochemical variation, residue mobility, and thermodynamic stability) has been performed for this missense variant. However, the output from this modeling did not meet the statistical confidence thresholds required to predict the impact of this variant on SPTAN1 protein function. In summary, the available evidence is currently insufficient to determine the role of this variant in disease. Therefore, it has been classified as a Variant of Uncertain Significance.